The following is an entry in ClinVar:

NM_024928.5(STN1):c.468C>T (p.Asp156=)

Gene: STN1 (STN1 subunit of CST complex; minus strand). Cytogenetic location: 10q24.33.
Variant type: single nucleotide variant.
Coding change: c.468C>T on transcript NM_024928.5 (MANE Select); coding-DNA position 468, C replaced by T.
Protein change: p.Asp156=; no amino-acid change (aspartic acid 156 retained).
Molecular consequence: synonymous variant.
Genome position (GRCh38, 1-based): chr10:103,898,990, G>A on the plus strand (C>T on the coding strand, the complement: STN1 is on the minus strand). VCF-style: chr10-103898990-G-A. GRCh37 (hg19) VCF-style: chr10-105658748-G-A.
Identifiers: ClinVar variation 2969301 (VCV002969301.11), dbSNP rs577905006, ClinGen allele CA5676603.

ClinVar aggregate classification (germline): Likely benign. Review status: criteria provided, multiple submitters, no conflicts (2 of 4 stars). 2 submissions from 2 submitters: Likely benign (2). Last evaluated 2025-07-01.

Allele frequency attached by ClinVar (database versions not stated): ExAC 0.00002; gnomAD 0.00005; TOPMed 0.00006; 1000 Genomes Project 30x 0.00016; 1000 Genomes Project 0.00020.
gnomAD v4.1: 18 of 1,613,934 alleles (0.0011%); highest among the groups gnomAD compares: African/African-American, 0.013%; no homozygotes.

Submissions (2):

CeGaT Center for Human Genetics Tuebingen
Classification: Likely benign. Last evaluated: 2025-07-01. Review status: criteria provided, single submitter. Criteria: CeGaT Center For Human Genetics Tuebingen Variant Classification Criteria Version 2. Collection method: clinical testing. Allele origin: germline. Affected: yes. Observed: 1 variant allele.
Comment: STN1: BP4, BP7

Labcorp Genetics (formerly Invitae), Labcorp
Classification: Likely benign. Last evaluated: 2025-04-17. Review status: criteria provided, single submitter. Criteria: Invitae Variant Classification Sherloc (09022015). Collection method: clinical testing. Allele origin: germline.